The following is an entry in ClinVar:

ClinVar aggregate classification (germline): Pathogenic (1 of 4 stars; one submission).

Conditions:
Capillary malformation-arteriovenous malformation syndrome. Also called: Capillary malformation-arteriovenous malformation. Identifiers: Orphanet 137667, MedGen C1842180, MONDO:0012016.

Submission:

Labcorp Genetics (formerly Invitae), Labcorp
Classification: Pathogenic for Capillary malformation-arteriovenous malformation syndrome. Last evaluated: 2020-01-16. Review status: criteria provided, single submitter. Criteria: Invitae Variant Classification Sherloc (09022015). Collection method: clinical testing. Allele origin: germline.
Comment: For these reasons, this variant has been classified as Pathogenic. Loss-of-function variants in RASA1 are known to be pathogenic (PMID: 24038909). This variant has not been reported in the literature in individuals with RASA1-related conditions. This variant is not present in population databases (ExAC no frequency). This sequence change creates a premature translational stop signal (p.Tyr389Phefs*5) in the RASA1 gene. It is expected to result in an absent or disrupted protein product.

Literature cited by the submitters: PubMed 24038909.

NM_002890.3(RASA1):c.1164_1165del (p.Tyr389fs)

Genes: CCNH (cyclin H; minus strand), RASA1 (RAS p21 protein activator 1; plus strand). Cytogenetic location: 5q14.3.
Variant type: Deletion.
Coding change: c.1164_1165del on transcript NM_002890.3 (MANE Select); coding-DNA positions 1164 to 1165, 2 bases deleted (TT; older notation c.1164_1165delTT).
Protein change: p.Tyr389fs; shifts the reading frame from tyrosine 389.
Molecular consequence: frameshift variant. On other transcripts: intron variant (1).
Genome position (GRCh38, 1-based): chr5:87,349,275-87,349,276, TT deleted; deleting any 2 consecutive bases within chr5:87,349,274-87,349,276 gives the same sequence; the c. name uses the placement nearest the transcript's 3' end. VCF-style (leftmost placement, unchanged base first): chr5-87349273-CTT-C. GRCh37 (hg19) VCF-style: chr5-86645090-CTT-C.
Other names: c.633_634del, p.Tyr212fs (NM_022650.3); c.934-36480_934-36479del (NM_001364075.2); short protein forms Y212fs, Y389fs.
Identifiers: ClinVar variation 857947 (VCV000857947.47), dbSNP rs1759087658, ClinGen allele CA916082735.